The following is an entry in ClinVar:

NM_000156.6(GAMT):c.570+161T>A

Gene: GAMT (guanidinoacetate N-methyltransferase; minus strand). Cytogenetic location: 19p13.3.
Variant type: single nucleotide variant.
Coding change: c.570+161T>A on transcript NM_000156.6 (MANE Select); 161 bases into the intron after coding-DNA position 570, T replaced by A.
Molecular consequence: intron variant. On other transcripts: missense variant (1).
Genome position (GRCh38, 1-based): chr19:1,398,755, A>T on the plus strand (T>A on the coding strand, the complement: GAMT is on the minus strand). VCF-style: chr19-1398755-A-T. GRCh37 (hg19) VCF-style: chr19-1398754-A-T.
Other names: c.731T>A, p.Leu244Gln (NM_138924.3); c.731T>A (NM_138924.2); short protein forms L244Q.
Identifiers: ClinVar variation 625952 (VCV000625952.5), dbSNP rs368296913, ClinGen allele CA9043587.

ClinVar aggregate classification (germline): Likely benign. Review status: reviewed by expert panel (3 of 4 stars). 3 submissions from 3 submitters: Likely benign (1). 2 of the submissions do not count toward it. Last evaluated 2024-09-11.

Conditions:
GAMT-related disorder. Also called: GAMT-related condition.
Deficiency of guanidinoacetate methyltransferase (CCDS2). Also called: GAMT DEFICIENCY; CEREBRAL CREATINE DEFICIENCY SYNDROME 2; Guanidinoacetate Methyltransferase (GAMT) Deficiency. Identifiers: Orphanet 382, MedGen C0574080, MONDO:0012999, OMIM 612736.

Allele frequency attached by ClinVar (database versions not stated): gnomAD exomes 0.00005 and 0.00003; ExAC 0.00013; 1000 Genomes Project 0.00020; TOPMed 0.00027; gnomAD 0.00035 and 0.00031; ESP Exome Variant Server 0.00056; 1000 Genomes Project 30x 0.00016.

Submissions (3):

ClinGen Cerebral Creatine Deficiency Syndromes Variant Curation Expert Panel, ClinGen
Classification: Likely benign for Deficiency of guanidinoacetate methyltransferase. Last evaluated: 2024-09-11. Review status: reviewed by expert panel. Criteria: ClinGen CCDS ACMG Specifications GAMT V2.0.0. Collection method: curation. Allele origin: germline. Inheritance: Autosomal recessive inheritance.
Comment: The NM_000156.6:c.570+161T>A variant in GAMT is an intronic variant affecting a nucleotide within the consensus splice site of intron 5. To our knowledge, this variant has not been reported in the literature and results of functional studies are unavailable. The highest population frequency in gnomAD v4.1.0. is 0.001162 (85/73150 alleles; no homozygotes) in the African / African American population, which is higher than the ClinGen CCDS VCEP’s threshold for BS1 (>0.001), and therefore meets this criterion (BS1). The computational splicing predictor SpliceAI gives a score of 0.0 for donor loss and suggests that the variant has no impact on splicing (BP4). There is a ClinVar entry for this variant (Variation ID: 625952). In summary, this variant meets the criteria to be classified as likely benign for GAMT deficiency. GAMT-specific ACMG/AMP codes met, as specified by the ClinGen Cerebral Creatine Deficiency Syndromes VCEP (Specifications Version 2.0.0): BS1, BP4. (Classification approved by the ClinGen Creatine Deficiency Syndromes Variant Curation Expert Panel on September 11, 2024).

Center for Genomics, Ann and Robert H. Lurie Children's Hospital of Chicago
Classification: Uncertain significance for Deficiency of guanidinoacetate methyltransferase. Last evaluated: 2021-03-30. Review status: criteria provided, single submitter. Criteria: ACMG Guidelines, 2015. Collection method: clinical testing. Allele origin: germline. Not counted in ClinVar's aggregate classification.
Comment: GAMT NM_138924 exon5 p.Leu244Gln (c.731T>A): This variant has not been reported in the literature but is present in 0.1% (25/16114) of Ashkenazi Jewish individuals in the Genome Aggregation Database. Evolutionary conservation and computational predictive tools for this variant are limited or unavailable. In summary, data on this variant is insufficient for disease classification. Therefore, the clinical significance of this variant is uncertain.

PreventionGenetics, part of Exact Sciences
Classification: Likely benign for GAMT-related condition. Last evaluated: 2022-02-23. Review status: no assertion criteria provided. Collection method: clinical testing. Allele origin: germline. Not counted in ClinVar's aggregate classification.
Comment: This variant is classified as likely benign based on ACMG/AMP sequence variant interpretation guidelines (Richards et al. 2015 PMID: 25741868, with internal and published modifications).